The following is an entry in ClinVar:

NM_000038.6(APC):c.2795C>G (p.Ser932Ter)

Gene: APC (APC regulator of Wnt signaling pathway; plus strand). Cytogenetic location: 5q22.2.
Variant type: single nucleotide variant.
Coding change: c.2795C>G on transcript NM_000038.6 (MANE Select); coding-DNA position 2795, C replaced by G.
Protein change: p.Ser932Ter; replaces serine 932 with a stop codon.
Molecular consequence: nonsense.
Genome position (GRCh38, 1-based): chr5:112,838,389, C>G. VCF-style: chr5-112838389-C-G. GRCh37 (hg19) VCF-style: chr5-112174086-C-G.
Other names: c.2795C>G, p.Ser932Ter (NM_001127510.3, NM_001354895.2); c.2741C>G, p.Ser914Ter (NM_001127511.3); c.2849C>G, p.Ser950Ter (NM_001354896.2); c.2825C>G, p.Ser942Ter (NM_001354897.2); c.2720C>G, p.Ser907Ter (NM_001354898.2); c.2711C>G, p.Ser904Ter (NM_001354899.2); c.2672C>G, p.Ser891Ter (NM_001354900.2); c.2618C>G, p.Ser873Ter (NM_001354901.2); and 5 more; short protein forms S914*, S932*, S806*, S841*, S891*, S907*, S831*, S873*.
Identifiers: ClinVar variation 236581 (VCV000236581.10), dbSNP rs878853432, ClinGen allele CA10582301.

ClinVar aggregate classification (germline): Pathogenic. Review status: criteria provided, multiple submitters, no conflicts (2 of 4 stars). 2 submissions from 2 submitters: Pathogenic (2). Last evaluated 2025-01-08.

Conditions:
Familial adenomatous polyposis 1 (FAP1). Also called: FAMILIAL ADENOMATOUS POLYPOSIS 1, ATTENUATED; POLYPOSIS, ADENOMATOUS INTESTINAL. Identifiers: MedGen C2713442, MONDO:0021056, OMIM 175100. Disease mechanism: loss of function.

Submissions (2):

Labcorp Genetics (formerly Invitae), Labcorp
Classification: Pathogenic for Familial adenomatous polyposis 1. Last evaluated: 2025-01-08. Review status: criteria provided, single submitter. Criteria: Invitae Variant Classification Sherloc (09022015). Collection method: clinical testing. Allele origin: germline.
Comment: This sequence change creates a premature translational stop signal (p.Ser932*) in the APC gene. While this is not anticipated to result in nonsense mediated decay, it is expected to disrupt the last 1912 amino acid(s) of the APC protein. This variant is not present in population databases (gnomAD no frequency). This premature translational stop signal has been observed in individual(s) with familial adenomatous polyposis (PMID: 1338764, 10083733, 20223039, 20685668). ClinVar contains an entry for this variant (Variation ID: 236581). This variant is expected to disrupt the EB1 and HDLG binding sites, which mediate interactions with the cytoskeleton (PMID: 15311282, 17293347). While functional studies have not been performed to directly test the effect on APC protein function, this suggests that disruption of the C-terminal portion of the protein is functionally important. A different truncation (p.Tyr2645Lysfs*14) that lies downstream of this variant has been determined to be pathogenic (PMID: 9824584, 1316610, 27081525, 8381579, 22135120, internal data). This suggests that deletion of this region of the APC protein is causative of disease. For these reasons, this variant has been classified as Pathogenic.

Myriad Genetics, Inc.
Classification: Pathogenic for Familial adenomatous polyposis 1. Last evaluated: 2023-05-05. Review status: criteria provided, single submitter. Criteria: Myriad Autosomal Dominant, Autosomal Recessive and X-Linked Classification Criteria (2023). Collection method: clinical testing. Allele origin: unknown.
Comment: This variant is considered pathogenic. This variant creates a termination codon and is predicted to result in premature protein truncation.

Literature cited by the submitters: PubMed 1338764 (cited by Labcorp Genetics (formerly Invitae), Labcorp); PubMed 10083733 (cited by Labcorp Genetics (formerly Invitae), Labcorp); PubMed 20223039 (cited by Labcorp Genetics (formerly Invitae), Labcorp); PubMed 20685668 (cited by Labcorp Genetics (formerly Invitae), Labcorp); PubMed 15311282 (cited by Labcorp Genetics (formerly Invitae), Labcorp); PubMed 17293347 (cited by Labcorp Genetics (formerly Invitae), Labcorp); PubMed 9824584 (cited by Labcorp Genetics (formerly Invitae), Labcorp); PubMed 1316610 (cited by Labcorp Genetics (formerly Invitae), Labcorp); PubMed 27081525 (cited by Labcorp Genetics (formerly Invitae), Labcorp); PubMed 8381579 (cited by Labcorp Genetics (formerly Invitae), Labcorp); PubMed 22135120 (cited by Labcorp Genetics (formerly Invitae), Labcorp).